The following is an entry in ClinVar:

NM_000260.4(MYO7A):c.4490G>T (p.Gly1497Val)

Gene: MYO7A (myosin VIIA; plus strand). Cytogenetic location: 11q13.5.
Variant type: single nucleotide variant.
Coding change: c.4490G>T on transcript NM_000260.4 (MANE Select); coding-DNA position 4490, G replaced by T.
Protein change: p.Gly1497Val; replaces glycine 1497 with valine.
Molecular consequence: missense variant.
Genome position (GRCh38, 1-based): chr11:77,198,543, G>T. VCF-style: chr11-77198543-G-T. GRCh37 (hg19) VCF-style: chr11-76909588-G-T.
Other names: c.4490G>T, p.Gly1497Val (NM_001127180.2); c.4457G>T, p.Gly1486Val (NM_001369365.1); short protein forms G1486V, G1497V.
Identifiers: ClinVar variation 1522826 (VCV001522826.6), dbSNP rs2135669847, ClinGen allele CA381950300.

ClinVar aggregate classification (germline): Likely pathogenic (1 of 4 stars; one submission).

Submission:

Labcorp Genetics (formerly Invitae), Labcorp
Classification: Likely pathogenic. Last evaluated: 2022-01-26. Review status: criteria provided, single submitter. Criteria: Invitae Variant Classification Sherloc (09022015). Collection method: clinical testing. Allele origin: germline.
Comment: In summary, the currently available evidence indicates that the variant is pathogenic, but additional data are needed to prove that conclusively. Therefore, this variant has been classified as Likely Pathogenic. This variant disrupts the p.Gly1497 amino acid residue in MYO7A. Other variant(s) that disrupt this residue have been determined to be pathogenic (PMID: 27460420, 30459346; Invitae). This suggests that this residue is clinically significant, and that variants that disrupt this residue are likely to be disease-causing. Advanced modeling of protein sequence and biophysical properties (such as structural, functional, and spatial information, amino acid conservation, physicochemical variation, residue mobility, and thermodynamic stability) performed at Invitae indicates that this missense variant is expected to disrupt MYO7A protein function. This variant has not been reported in the literature in individuals affected with MYO7A-related conditions. This variant is not present in population databases (gnomAD no frequency). This sequence change replaces glycine, which is neutral and non-polar, with valine, which is neutral and non-polar, at codon 1497 of the MYO7A protein (p.Gly1497Val).

Literature cited by the submitters: PubMed 27460420; PubMed 30459346.